The following is an entry in ClinVar:

NM_001367624.2(ZNF469):c.4134C>G (p.Ser1378Arg)

Gene: ZNF469 (zinc finger protein 469; plus strand). Cytogenetic location: 16q24.2.
Variant type: single nucleotide variant.
Coding change: c.4134C>G on transcript NM_001367624.2 (MANE Select); coding-DNA position 4134, C replaced by G.
Protein change: p.Ser1378Arg; replaces serine 1378 with arginine.
Molecular consequence: missense variant.
Genome position (GRCh38, 1-based): chr16:88,431,604, C>G. VCF-style: chr16-88431604-C-G. GRCh37 (hg19) VCF-style: chr16-88498012-C-G.
Other names: short protein forms S1378R.
Identifiers: ClinVar variation 2193531 (VCV002193531.4), dbSNP rs2507586376, ClinGen allele CA397089601.
Genomic context (GRCh38, chr16:88,431,604, plus strand): 5'-TTTTAACAGAGACCCCTTGGGGGTTCCAGTTGCCAAAAAGGGGCCTCAGCCCTACAGCAG[C>G]CCCCACAGTGAGTTGTTCCTCGGACCCAAAGACCTGGCTGGCTGTTTCCTGGAAGAACTG-3'
Protein context (NP_001354553.1, residues 1368-1388): VAKKGPQPYS[Ser1378Arg]PHSELFLGPK

ClinVar aggregate classification (germline): Uncertain significance (1 of 4 stars; one submission).

Submission:

Labcorp Genetics (formerly Invitae), Labcorp
Classification: Uncertain significance. Last evaluated: 2022-07-30. Review status: criteria provided, single submitter. Criteria: Invitae Variant Classification Sherloc (09022015). Collection method: clinical testing. Allele origin: germline.
Comment: This sequence change replaces serine, which is neutral and polar, with arginine, which is basic and polar, at codon 1350 of the ZNF469 protein (p.Ser1350Arg). This variant is not present in population databases (gnomAD no frequency). This variant has not been reported in the literature in individuals affected with ZNF469-related conditions. Algorithms developed to predict the effect of missense changes on protein structure and function output the following: SIFT: "Tolerated"; PolyPhen-2: "Benign"; Align-GVGD: "Class C0". The arginine amino acid residue is found in multiple mammalian species, which suggests that this missense change does not adversely affect protein function. In summary, the available evidence is currently insufficient to determine the role of this variant in disease. Therefore, it has been classified as a Variant of Uncertain Significance.